The following is an entry in ClinVar:

NM_003242.6(TGFBR2):c.1136A>T (p.Asp379Val)

Gene: TGFBR2 (transforming growth factor beta receptor 2; plus strand). Cytogenetic location: 3p24.1.
Variant type: single nucleotide variant.
Coding change: c.1136A>T on transcript NM_003242.6 (MANE Select); coding-DNA position 1136, A replaced by T.
Protein change: p.Asp379Val; replaces aspartic acid 379 with valine.
Molecular consequence: missense variant.
Genome position (GRCh38, 1-based): chr3:30,672,319, A>T. VCF-style: chr3-30672319-A-T. GRCh37 (hg19) VCF-style: chr3-30713811-A-T.
Other names: c.1211A>T, p.Asp404Val (NM_001024847.3); c.1319A>T, p.Asp440Val (NM_001407126.1); c.1244A>T, p.Asp415Val (NM_001407127.1); c.1163A>T, p.Asp388Val (NM_001407128.1); c.1139A>T, p.Asp380Val (NM_001407129.1); c.1136A>T, p.Asp379Val (NM_001407130.1); c.1031A>T, p.Asp344Val (NM_001407132.1, NM_001407133.1, NM_001407134.1 and 2 more transcripts); c.851A>T, p.Asp284Val (NM_001407137.1); and 1 more; short protein forms D379V, D404V, D344V, D380V, D284V, D440V, D415V, D259V.
Identifiers: ClinVar variation 263559 (VCV000263559.6), dbSNP rs886038847, ClinGen allele CA10587568.

ClinVar aggregate classification (germline): Conflicting classifications of pathogenicity. Review status: criteria provided, conflicting classifications (1 of 4 stars). 3 submissions from 3 submitters: Pathogenic (2); Uncertain significance (1). Last evaluated 2024-05-08.

Conditions:
Cardiovascular phenotype. Identifiers: MedGen CN230736.

Submissions (3):

Blueprint Genetics
Classification: Uncertain significance. Last evaluated: 2024-05-08. Review status: criteria provided, single submitter. Criteria: ACMG Guidelines, 2015. Collection method: clinical testing. Allele origin: germline.

GeneDx
Classification: Pathogenic. Last evaluated: 2024-01-17. Review status: criteria provided, single submitter. Criteria: GeneDx Variant Classification Process June 2021. Collection method: clinical testing. Allele origin: germline. Affected: yes.
Comment: Identified in a patient with Loeys-Dietz syndrome in published literature (PMID: 23884466); Not observed at significant frequency in large population cohorts (gnomAD); In silico analysis supports that this missense variant has a deleterious effect on protein structure/function; This variant is associated with the following publications: (PMID: 28152038, 25834947, 23884466)

Ambry Genetics
Classification: Pathogenic for Cardiovascular phenotype. Last evaluated: 2013-06-05. Review status: criteria provided, single submitter. Criteria: Ambry Autosomal Dominant and X-Linked criteria (10/2015). Collection method: clinical testing. Allele origin: germline. Observed: 1 variant allele.